The following is an entry in ClinVar:

NM_003743.5(NCOA1):c.2289T>C (p.Thr763=)

Gene: NCOA1 (nuclear receptor coactivator 1; plus strand). Cytogenetic location: 2p23.3.
Variant type: single nucleotide variant.
Coding change: c.2289T>C on transcript NM_003743.5 (MANE Select); coding-DNA position 2289, T replaced by C.
Protein change: p.Thr763=; no amino-acid change (threonine 763 retained).
Molecular consequence: synonymous variant.
Genome position (GRCh38, 1-based): chr2:24,707,759, T>C. VCF-style: chr2-24707759-T-C. GRCh37 (hg19) VCF-style: chr2-24930628-T-C.
Other names: c.2289T>C, p.Thr763= (NM_001362950.1, NM_001362952.1, NM_001362954.1 and 3 more transcripts).
Identifiers: ClinVar variation 4993025 (VCV004993025.1).

ClinVar aggregate classification (germline): Likely benign (1 of 4 stars; one submission).

Conditions:
NCOA1-related disorder. Also called: NCOA1-related condition.

Submission:

PreventionGenetics, part of Exact Sciences
Classification: Likely benign for NCOA1-related condition. Last evaluated: 2025-09-19. Review status: criteria provided, single submitter. Criteria: ACMG Guidelines, 2015. Collection method: clinical testing. Allele origin: germline.
Comment: This variant is classified as likely benign based on ACMG/AMP sequence variant interpretation guidelines (Richards et al. 2015 PMID: 25741868, with internal and published modifications).